The following is an entry in ClinVar:

NM_000257.4(MYH7):c.2602G>C (p.Ala868Pro)

Genes: MYH7 (myosin heavy chain 7; minus strand), LOC126861898 (BRD4-independent group 4 enhancer GRCh37_chr14:23893609-23894808; plus strand). Cytogenetic location: 14q11.2.
Variant type: single nucleotide variant.
Coding change: c.2602G>C on transcript NM_000257.4 (MANE Select); coding-DNA position 2602, G replaced by C.
Protein change: p.Ala868Pro; replaces alanine 868 with proline.
Molecular consequence: missense variant.
Genome position (GRCh38, 1-based): chr14:23,424,846, C>G on the plus strand (G>C on the coding strand, the complement: MYH7 is on the minus strand). VCF-style: chr14-23424846-C-G. GRCh37 (hg19) VCF-style: chr14-23894055-C-G.
Other names: NM_000257.4(MYH7):c.2602G>C; short protein forms A868P.
Identifiers: ClinVar variation 177847 (VCV000177847.67), dbSNP rs727504356, ClinGen allele CA012698.

ClinVar aggregate classification (germline): Likely pathogenic. Review status: reviewed by expert panel (3 of 4 stars). 12 submissions from 12 submitters: Likely pathogenic (1). 11 of the submissions do not count toward it. Last evaluated 2021-09-28.

Conditions:
Cardiovascular phenotype. Identifiers: MedGen CN230736.
MYH7-related disorder. Also called: MYH7-related disorders; MYH7-related condition; MYH7-related disease.
Cardiomyopathy (CMYO). Also called: Cardiomyopathies. Identifiers: Orphanet 167848, MedGen C0878544, MONDO:0004994, HP:0001638. Inheritance: Various modes of inheritance.
Hypertrophic cardiomyopathy 1 (CMH1). Also called: Familial hypertrophic cardiomyopathy 1; MYH7-Related Familial Hypertrophic Cardiomyopathy. Identifiers: MedGen C3495498, MONDO:0008647, OMIM 192600.
Primary familial hypertrophic cardiomyopathy (HCM). Identifiers: Orphanet 99739, MedGen C0949658, MeSH D024741, MONDO:0024573. Inheritance: Various modes of inheritance.
Hypertrophic cardiomyopathy. Also called: HYPERTROPHIC MYOCARDIOPATHY. Identifiers: Orphanet 217569, MedGen C0007194, MeSH D002312, MONDO:0005045, HP:0001639.

Allele frequency attached by ClinVar (database versions not stated): TOPMed 0.00001.
gnomAD v4.1: 1 of 1,614,230 alleles (0.000062%); highest among the groups gnomAD compares: Non-Finnish European, 0.000085%; no homozygotes.

Submissions 1 to 7 of 12:

ClinGen Cardiomyopathy Variant Curation Expert Panel
Classification: Likely pathogenic for Hypertrophic cardiomyopathy. Last evaluated: 2021-09-28. Review status: reviewed by expert panel. Criteria: ClinGen CMP ACMG Specifications v1. Collection method: curation. Allele origin: germline. Inheritance: Autosomal dominant inheritance.
Comment: The NM_000257.4(MYH7):c.2602G>C (p.Ala868Pro) variant has been identified in at least 13 probands with HCM (PM4_Moderate; Millat 2010 PMID:20624503; Millat 2010 PMID:20800588; Walsh 2017 PMID: 27532257; Ambry pers. comm., GeneDx pers. comm., Invitae pers. comm., LMM pers. comm., OMGL pers. comm.). This variant was absent from large population studies (PM2; gnomAD v2.1.1). This variant lies in the head region of the protein (aa 181-937) and missense variants in this region are statistically more likely to be associated with HCM (PM1; Walsh 2017 PMID:27532257). Computational prediction tools and conservation analysis suggest that this variant may impact the protein (PP3). In summary, this variant meets criteria to be classified as likely pathogenic for hypertrophic cardiomyopathy in an autosomal dominant manner. MYH7-specific ACMG/AMP criteria applied (Kelly 2018 PMID:29300372): PM4_Moderate, PM2, PM1, PP3.

GeneDx
Classification: Likely pathogenic. Last evaluated: 2026-07-23. Review status: criteria provided, single submitter. Criteria: GeneDx Variant Classification Process June 2021. Collection method: clinical testing. Allele origin: germline. Not counted in ClinVar's aggregate classification.
Comment: Not observed at significant frequency in large population cohorts (gnomAD); In silico analysis supports that this missense variant has a deleterious effect on protein structure/function; Reported in ClinVar as a likely pathogenic variant by the ClinGen Cardiomyopathy Variant Curation Expert Panel; This variant is associated with the following publications: (PMID: 27532257, 21310275, 17095604, 2062450, 20800588, 20624503, 37652022, 34680864, 38716318, 34714385, 27247418, 29300372, 39605252)

Labcorp Genetics (formerly Invitae), Labcorp
Classification: Pathogenic for Hypertrophic cardiomyopathy. Last evaluated: 2026-01-31. Review status: criteria provided, single submitter. Criteria: Invitae Variant Classification Sherloc (09022015). Collection method: clinical testing. Allele origin: germline. Not counted in ClinVar's aggregate classification.
Comment: This sequence change replaces alanine, which is neutral and non-polar, with proline, which is neutral and non-polar, at codon 868 of the MYH7 protein (p.Ala868Pro). This variant is not present in population databases (gnomAD no frequency). This missense change has been observed in individuals with hypertrophic cardiomyopathy (PMID: 2062450, 27532257; internal data). ClinVar contains an entry for this variant (Variation ID: 177847). Invitae Evidence Modeling of protein sequence and biophysical properties (such as structural, functional, and spatial information, amino acid conservation, physicochemical variation, residue mobility, and thermodynamic stability) indicates that this missense variant is expected to disrupt MYH7 protein function with a positive predictive value of 95%. This variant is found within a region of MYH7 between codons 181 and 937 that contains the majority of the myosin head domain. Missense variants in this region have been shown to be significantly overrepresented in individuals with hypertrophic cardiomyopathy (PMID: 27532257). For these reasons, this variant has been classified as Pathogenic.

Color Diagnostics, LLC DBA Color Health
Classification: Likely pathogenic for Cardiomyopathy. Last evaluated: 2025-06-23. Review status: criteria provided, single submitter. Criteria: ACMG Guidelines, 2015. Collection method: clinical testing. Allele origin: germline. Not counted in ClinVar's aggregate classification.
Comment: This missense variant replaces alanine with proline at codon 868 in the myosin head/motor domain of the MYH7 protein. Computational prediction suggests that this variant may have a deleterious impact on protein structure and function. This variant is found within a highly conserved region of the myosin head domain. Missense variants in this region have been shown to be significantly overrepresented in individuals with hypertrophic cardiomyopathy (PMID: 27532257). To our knowledge, functional studies have not been reported for this variant. This variant has been reported in over 10 unrelated individuals affected with hypertrophic cardiomyopathy (PMID: 20624503, 27532257, 33495597communication with external laboratories: ClinVar Variation ID: 177847). This variant has not been identified in the general population by the Genome Aggregation Database (gnomAD). Based on the available evidence, this variant is classified as Likely Pathogenic.

PreventionGenetics, part of Exact Sciences
Classification: Likely pathogenic for MYH7-related condition. Last evaluated: 2025-06-16. Review status: criteria provided, single submitter. Criteria: ACMG Guidelines, 2015. Collection method: clinical testing. Allele origin: germline. Not counted in ClinVar's aggregate classification.
Comment: The MYH7 c.2602G>C variant is predicted to result in the amino acid substitution p.Ala868Pro. This variant has been reported in multiple unrelated individuals with hypertrophic cardiomyopathy (HCM) (Table S1B, Walsh et al. 2017. PubMed ID: 27532257; Table S21, Harper et al. 2021. PubMed ID: 33495597; Table S1, Silva et al. 2024. PubMed ID: 38716318). This variant has not been reported in a large population database (gnomAD), indicating this variant is rare. This variant is located within a region of the myosin heavy chain protein (p.181 - p.937) where missense variants are disproportionately enriched in individuals with HCM relative to non-HCM controls (Figure 3, Walsh et al. 2017. PubMed ID: 27532257). Taken together, this variant is interpreted as likely pathogenic.

Ambry Genetics
Classification: Likely pathogenic for Cardiovascular phenotype. Last evaluated: 2025-02-14. Review status: criteria provided, single submitter. Criteria: Ambry Variant Classification Scheme 2023. Collection method: clinical testing. Allele origin: germline. Not counted in ClinVar's aggregate classification.
Comment: The p.A868P variant (also known as c.2602G>C), located in coding exon 20 of the MYH7 gene, results from a G to C substitution at nucleotide position 2602. The alanine at codon 868 is replaced by proline, an amino acid with highly similar properties. This alteration is located in the myosin head domain, which contains a statistically significant clustering of pathogenic missense variants (Homburger JR et al. Proc Natl Acad Sci U S A, 2016 06;113:6701-6; Walsh R et al. Genet Med, 2017 02;19:192-203; Ambry internal data). This variant was reported in individual(s) with features consistent with hypertrophic cardiomyopathy (HCM) (Millat G et al. Eur J Med Genet, 2010 Jul;53:261-7; Walsh R et al. Genet Med, 2017 Feb;19:192-203; Ambry internal data). This amino acid position is highly conserved in available vertebrate species. In addition, this alteration is predicted to be deleterious by in silico analysis. This variant is considered to be rare based on population cohorts in the Genome Aggregation Database (gnomAD). Based on the majority of available evidence to date, this variant is likely to be pathogenic.

Women's Health and Genetics/Laboratory Corporation of America, LabCorp
Classification: Likely pathogenic for Primary familial hypertrophic cardiomyopathy. Last evaluated: 2024-10-07. Review status: criteria provided, single submitter. Criteria: LabCorp Variant Classification Summary - May 2015. Collection method: clinical testing. Allele origin: germline. Not counted in ClinVar's aggregate classification.
Comment: Variant summary: MYH7 c.2602G>C (p.Ala868Pro) results in a non-conservative amino acid change located in the Myosin tail (IPR002928) of the encoded protein sequence. Four of five in-silico tools predict a damaging effect of the variant on protein function. The variant was absent in 251458 control chromosomes. c.2602G>C has been reported in the literature in individuals affected with Hypertrophic Cardiomyopathy (Millat_2010, Walsh_2017, Gal_2022, Holler_2021, McGurk_2023, Silva_2024). These data indicate that the variant is likely to be associated with disease. To our knowledge, no experimental evidence demonstrating an impact on protein function has been reported. The following publications have been ascertained in the context of this evaluation (PMID: 34714385, 34680864, 37652022, 20624503, 38716318, 27532257). ClinVar contains an entry for this variant (Variation ID: 177847). Based on the evidence outlined above, the variant was classified as likely pathogenic.